The following is an entry in ClinVar:

NM_000059.4(BRCA2):c.2012C>A (p.Ser671Tyr)

Gene: BRCA2 (BRCA2 DNA repair associated; plus strand). Cytogenetic location: 13q13.1.
Variant type: single nucleotide variant.
Coding change: c.2012C>A on transcript NM_000059.4 (MANE Select); coding-DNA position 2012, C replaced by A.
Protein change: p.Ser671Tyr; replaces serine 671 with tyrosine.
Molecular consequence: missense variant.
Genome position (GRCh38, 1-based): chr13:32,336,367, C>A. VCF-style: chr13-32336367-C-A. GRCh37 (hg19) VCF-style: chr13-32910504-C-A.
Other names: short protein forms S671Y.
Identifiers: ClinVar variation 438958 (VCV000438958.5), dbSNP rs1555282398, ClinGen allele CA387768773.

ClinVar aggregate classification (germline): Conflicting classifications of pathogenicity. Review status: criteria provided, conflicting classifications (1 of 4 stars). 3 submissions from 3 submitters: Uncertain significance (2); Likely benign (1). Last evaluated 2025-03-12.

Conditions:
Hereditary cancer-predisposing syndrome. Also called: Hereditary neoplastic syndrome; Hereditary Cancer Syndrome; Tumor predisposition; Neoplastic Syndromes, Hereditary. Identifiers: Orphanet 140162, MedGen C0027672, MeSH D009386, MONDO:0015356.
Hereditary breast ovarian cancer syndrome. Also called: Breast and ovarian cancer; Hereditary breast and ovarian cancer; BRCA1- and BRCA2-Associated Hereditary Breast and Ovarian Cancer; Hereditary breast and/or ovarian cancer syndrome; Hereditary breast and ovarian cancer syndrome; Hereditary breast and ovarian cancer syndrome (HBOC). Identifiers: Orphanet 145, MedGen C0677776, MeSH D061325, MONDO:0003582. Disease mechanism: loss of function.

Submissions (3):

Labcorp Genetics (formerly Invitae), Labcorp
Classification: Uncertain significance for Hereditary breast ovarian cancer syndrome. Last evaluated: 2025-03-12. Review status: criteria provided, single submitter. Criteria: Invitae Variant Classification Sherloc (09022015). Collection method: clinical testing. Allele origin: germline.
Comment: This sequence change replaces serine, which is neutral and polar, with tyrosine, which is neutral and polar, at codon 671 of the BRCA2 protein (p.Ser671Tyr). This variant is not present in population databases (gnomAD no frequency). This variant has not been reported in the literature in individuals affected with BRCA2-related conditions. ClinVar contains an entry for this variant (Variation ID: 438958). Invitae Evidence Modeling of protein sequence and biophysical properties (such as structural, functional, and spatial information, amino acid conservation, physicochemical variation, residue mobility, and thermodynamic stability) indicates that this missense variant is not expected to disrupt BRCA2 protein function with a negative predictive value of 95%. In summary, the available evidence is currently insufficient to determine the role of this variant in disease. Therefore, it has been classified as a Variant of Uncertain Significance.

University of Washington Department of Laboratory Medicine, University of Washington
Classification: Likely benign for Hereditary cancer-predisposing syndrome. Last evaluated: 2023-03-23. Review status: criteria provided, single submitter. Criteria: Dines et al. (Genet Med. 2020). Collection method: curation. Allele origin: germline.
Comment: Missense variant in a coldspot region where missense variants are very unlikely to be pathogenic (PMID:31911673).

BRCA2 exon 11 coldspot. Reclassification based on statistical prior probability.

Quest Diagnostics Nichols Institute San Juan Capistrano
Classification: Uncertain significance. Last evaluated: 2016-11-22. Review status: criteria provided, single submitter. Criteria: Quest Diagnostics criteria. Collection method: clinical testing. Allele origin: germline.